The following is an entry in ClinVar:

NM_003242.6(TGFBR2):c.486A>G (p.Leu162=)

Gene: TGFBR2 (transforming growth factor beta receptor 2; plus strand). Cytogenetic location: 3p24.1.
Variant type: single nucleotide variant.
Coding change: c.486A>G on transcript NM_003242.6 (MANE Select); coding-DNA position 486, A replaced by G.
Protein change: p.Leu162=; no amino-acid change (leucine 162 retained).
Molecular consequence: synonymous variant. On other transcripts: intron variant (1).
Genome position (GRCh38, 1-based): chr3:30,671,669, A>G. VCF-style: chr3-30671669-A-G. GRCh37 (hg19) VCF-style: chr3-30713161-A-G.
Other names: c.561A>G, p.Leu187= (NM_001024847.3); c.669A>G, p.Leu223= (NM_001407126.1); c.594A>G, p.Leu198= (NM_001407127.1); c.513A>G, p.Leu171= (NM_001407128.1); c.489A>G, p.Leu163= (NM_001407129.1); c.486A>G, p.Leu162= (NM_001407130.1); c.381A>G, p.Leu127= (NM_001407132.1, NM_001407133.1, NM_001407134.1 and 2 more transcripts); c.201A>G, p.Leu67= (NM_001407137.1); and 2 more.
Identifiers: ClinVar variation 919700 (VCV000919700.10), dbSNP rs761927882, ClinGen allele CA049045.
Genomic context (GRCh38, chr3:30,671,669, plus strand): 5'-CTTCTCTCCTTGTTTTGTTTCCCCATCAGAATATAACACCAGCAATCCTGACTTGTTGCT[A>G]GTCATATTTCAAGTGACAGGCATCAGCCTCCTGCCACCACTGGGAGTTGCCATATCTGTC-3'
Protein context (NP_003233.4, residues 152-172): EYNTSNPDLL[Leu162=]VIFQVTGISL

ClinVar aggregate classification (germline): Likely benign. Review status: criteria provided, multiple submitters, no conflicts (2 of 4 stars). 4 submissions from 4 submitters: Likely benign (4). Last evaluated 2025-07-27.

Conditions:
Loeys-Dietz syndrome 2 (LDS2). Also called: TGFBR2-Related Loeys-Dietz Syndrome; AORTIC ANEURYSM, FAMILIAL THORACIC 3; MARFAN SYNDROME, TYPE II; Marfan Syndrome type 2; Marfan like connective tissue disorder; MFS 2. Identifiers: Orphanet 284973, Orphanet 558, MedGen C2674574, MONDO:0012427, OMIM 610168.
Familial thoracic aortic aneurysm and aortic dissection (TAAD). Also called: Thoracic aortic aneurysms and dissections. Identifiers: Orphanet 91387, MedGen C4707243, MONDO:0019625.

Allele frequency attached by ClinVar (database versions not stated): ExAC 0.00001; gnomAD exomes 0.00001.
gnomAD v4.1: 3 of 1,614,176 alleles (0.00019%); highest among the groups gnomAD compares: East Asian, 0.0022%; no homozygotes.

Submissions (4):

Labcorp Genetics (formerly Invitae), Labcorp
Classification: Likely benign for Familial thoracic aortic aneurysm and aortic dissection. Last evaluated: 2025-07-27. Review status: criteria provided, single submitter. Criteria: Invitae Variant Classification Sherloc (09022015). Collection method: clinical testing. Allele origin: germline.

Ambry Genetics
Classification: Likely benign for Familial thoracic aortic aneurysm and aortic dissection. Last evaluated: 2024-09-09. Review status: criteria provided, single submitter. Criteria: Ambry Variant Classification Scheme 2023. Collection method: clinical testing. Allele origin: germline.

All of Us Research Program, National Institutes of Health
Classification: Likely benign for Loeys-Dietz syndrome 2. Last evaluated: 2023-12-13. Review status: criteria provided, single submitter. Criteria: ACMG Guidelines, 2015. Collection method: clinical testing. Allele origin: germline. Inheritance: Autosomal dominant inheritance. Observed: 2 variant alleles, 2 heterozygotes.
Comment: This study involves interpretation of variants in research participants for the purpose of population health screening. Participant phenotype was not available at the time of variant classification. Additional details can be found in publication PMID: 35346344, PMCID: PMC8962531

Color Diagnostics, LLC DBA Color Health
Classification: Likely benign for Familial thoracic aortic aneurysm and aortic dissection. Last evaluated: 2019-08-02. Review status: criteria provided, single submitter. Criteria: ACMG Guidelines, 2015. Collection method: clinical testing. Allele origin: germline.